The following is an entry in ClinVar:

ClinVar aggregate classification (germline): Uncertain significance (1 of 4 stars; one submission).

Allele frequency attached by ClinVar (database versions not stated): gnomAD exomes below 0.00001; gnomAD 0.00001; TOPMed 0.00003.
gnomAD v4.1: 4 of 1,613,990 alleles (0.00025%); highest among the groups gnomAD compares: Admixed American, 0.0017%; no homozygotes.

Submission:

Labcorp Genetics (formerly Invitae), Labcorp
Classification: Uncertain significance. Last evaluated: 2025-09-04. Review status: criteria provided, single submitter. Criteria: Invitae Variant Classification Sherloc (09022015). Collection method: clinical testing. Allele origin: germline.
Comment: This sequence change replaces histidine, which is basic and polar, with leucine, which is neutral and non-polar, at codon 324 of the ALPK1 protein (p.His324Leu). This variant is not present in population databases (gnomAD no frequency). This variant has not been reported in the literature in individuals affected with ALPK1-related conditions. ClinVar contains an entry for this variant (Variation ID: 1917667). Invitae Evidence Modeling of protein sequence and biophysical properties (such as structural, functional, and spatial information, amino acid conservation, physicochemical variation, residue mobility, and thermodynamic stability) indicates that this missense variant is not expected to disrupt ALPK1 protein function with a negative predictive value of 80%. In summary, the available evidence is currently insufficient to determine the role of this variant in disease. Therefore, it has been classified as a Variant of Uncertain Significance.

NM_025144.4(ALPK1):c.971A>T (p.His324Leu)

Gene: ALPK1 (alpha kinase 1; plus strand). Cytogenetic location: 4q25.
Variant type: single nucleotide variant.
Coding change: c.971A>T on transcript NM_025144.4 (MANE Select); coding-DNA position 971, A replaced by T.
Protein change: p.His324Leu; replaces histidine 324 with leucine.
Molecular consequence: missense variant.
Genome position (GRCh38, 1-based): chr4:112,430,518, A>T. VCF-style: chr4-112430518-A-T. GRCh37 (hg19) VCF-style: chr4-113351674-A-T.
Other names: c.971A>T, p.His324Leu (NM_001102406.2); c.737A>T, p.His246Leu (NM_001253884.2); short protein forms H246L, H324L.
Identifiers: ClinVar variation 1917667 (VCV001917667.5), dbSNP rs1734489020, ClinGen allele CA357892757.